The following is an entry in ClinVar:

ClinVar aggregate classification (germline): Pathogenic/Likely pathogenic. Review status: criteria provided, multiple submitters, no conflicts (2 of 4 stars). 9 submissions from 9 submitters: Pathogenic (5); Likely pathogenic (3). 1 of the submissions does not count toward it. Last evaluated 2026-09-22.

Conditions:
F8-related disorder. Also called: F8-related condition.
F8-related disorders.
Hereditary factor IX deficiency disease (HEMB). Also called: Hemophilia B; PLASMA THROMBOPLASTIN COMPONENT DEFICIENCY; F9 DEFICIENCY; FACTOR IX DEFICIENCY; Christmas Disease. Identifiers: Orphanet 98879, MedGen C0008533, MeSH D002836, MONDO:0010604, OMIM 306900.
Hereditary factor VIII deficiency disease (HEMA). Also called: AUTOSOMAL HEMOPHILIA A; Hemophilia A, congenital; HEM A; Factor 8 deficiency, congenital; Hemophilia A; HEMOPHILIA, CLASSIC. Identifiers: Orphanet 98878, MedGen C0019069, MONDO:0010602, OMIM 306700.

Allele frequency attached by ClinVar (database versions not stated): gnomAD 0.00001.
gnomAD v4.1: 1 of 1,209,135 alleles (0.000083%); highest among the groups gnomAD compares: African/African-American, 0.0018%; no homozygotes.

Submissions (9):

PreventionGenetics, part of Exact Sciences
Classification: Pathogenic for F8-related condition. Last evaluated: 2026-09-22. Review status: criteria provided, single submitter. Criteria: ACMG Guidelines, 2015. Collection method: clinical testing. Allele origin: germline.
Comment: The F8 c.6977G>A variant is predicted to result in the amino acid substitution p.Arg2326Gln. This variant has been reported in many individuals with mild to moderate hemophilia A (Factor VIII Gene Database; Johnsen et al. 2017. PubMed ID: 29296726; Downes et al. 2019. PubMed ID: 31064749). In addition, other amino acid changes at this same position (p.Arg2326Leu, p.Arg2326Pro) have also been reported to be pathogenic. In summary, we categorize the c.6977G>A variant as pathogenic.

Women's Health and Genetics/Laboratory Corporation of America, LabCorp
Classification: Pathogenic for Hereditary factor VIII deficiency disease. Last evaluated: 2026-06-11. Review status: criteria provided, single submitter. Criteria: LabCorp Variant Classification Summary - May 2015. Collection method: clinical testing. Allele origin: germline.
Comment: Variant summary: F8 c.6977G>A (p.Arg2326Gln) results in a conservative amino acid change in the encoded protein sequence. Algorithms developed to predict the effect of missense changes on protein structure and function are either unavailable or do not agree on the potential impact of this missense change. The variant was absent in 181582 control chromosomes. c.6977G>A has been observed in multiple individuals affected with Factor VIII Deficiency (Hemophilia A) (e.g. Gitschier_1986, Shinozawa_2021, Nair_2010). These data indicate that the variant is very likely to be associated with disease. At least one publication reports experimental evidence evaluating an impact on protein function, however, it does not allow definitive conclusions regarding overall FVIII function or residual activity. (Spiegel_2004). The following publications have been ascertained in the context of this evaluation (PMID: 3012775, 38759975, 20800587, 33254277, 15471879). ClinVar contains an entry for this variant (Variation ID: 10126). Based on the evidence outlined above, the variant was classified as pathogenic.

Laboratory of Genetics, Children's Clinical University Hospital Latvia
Classification: Pathogenic. Last evaluated: 2025-02-16. Review status: criteria provided, single submitter. Criteria: ACMG Guidelines, 2015. Collection method: clinical testing. Allele origin: germline. Affected: yes.

Genomic Research Center, Shahid Beheshti University of Medical Sciences
Classification: Likely pathogenic. Last evaluated: 2020-05-03. Review status: criteria provided, single submitter. Criteria: ACMG Guidelines, 2015. Collection method: clinical testing. Allele origin: unknown. Affected: no.

Genetics and Molecular Pathology, SA Pathology
Classification: Likely pathogenic for Hereditary factor VIII deficiency disease. Last evaluated: 2020-04-08. Review status: criteria provided, single submitter. Criteria: ACMG Guidelines, 2015. Collection method: clinical testing. Allele origin: germline. Inheritance: X-linked recessive inheritance. Affected: no.
Comment: PS1, PM1, PP3, PP5.

ARUP Laboratories, Molecular Genetics and Genomics, ARUP Laboratories
Classification: Pathogenic for Hereditary factor VIII deficiency disease. Last evaluated: 2019-11-06. Review status: criteria provided, single submitter. Criteria: ARUP Molecular Germline Variant Investigation Process. Collection method: clinical testing. Allele origin: germline.
Comment: The F8 c.6977G>A; p.Arg2326Gln variant (rs137852360), also known as R2307Q, is reported in the literature in multiple individuals affected with mild to moderate hemophilia A (see link to FVIII Database and references therein). This variant is reported in ClinVar (Variation ID: 10126), and is absent from general population databases (Exome Variant Server, Genome Aggregation Database), indicating it is not a common polymorphism. The arginine at codon 2326 is highly conserved, and computational analyses (SIFT, PolyPhen-2) predict that this variant is deleterious. In vitro functional analyses demonstrate destabilization of the protein (Spiegel 2004). Additionally, other amino acid substitutions at this codon (Gly, Leu, Pro) have been reported in individuals with moderate to severe hemophilia A and are considered pathogenic (see link to FVIII Database and references therein). Based on available information, this variant is considered to be pathogenic. References: Link to Factor VIII Gene Database: Spiegel PC et al. Surface-exposed hemophilic mutations across the factor VIII C2 domain have variable effects on stability and binding activities. J Biol Chem. 2004 Dec 17;279(51):53691-8.

Blueprint Genetics
Classification: Likely pathogenic for F8-related disorders. Last evaluated: 2019-05-27. Review status: criteria provided, single submitter. Criteria: ACMG Guidelines, 2015. Collection method: clinical testing. Allele origin: germline. Affected: yes. Observed: 2 variant alleles.

NIHR Bioresource Rare Diseases, University of Cambridge
Classification: Pathogenic for Hereditary factor IX deficiency disease. Last evaluated: 2019-02-01. Review status: criteria provided, single submitter. Criteria: ACMG Guidelines, 2015. Collection method: research. Allele origin: unknown. Affected: yes. Observed: 1 hemizygote. Study: ThromboGenomics.

OMIM
Classification: Pathogenic for HEMOPHILIA A. Last evaluated: 1985-05-30. Review status: no assertion criteria provided. Collection method: literature only. Allele origin: germline. Not counted in ClinVar's aggregate classification.

Literature cited by the submitters: PubMed 20800587 (cited by Women's Health and Genetics/Laboratory Corporation of America, LabCorp); PubMed 33254277 (cited by Women's Health and Genetics/Laboratory Corporation of America, LabCorp); PubMed 15471879 (cited by Women's Health and Genetics/Laboratory Corporation of America, LabCorp); PubMed 38759975 (cited by Women's Health and Genetics/Laboratory Corporation of America, LabCorp); PubMed 3012775 (cited by Women's Health and Genetics/Laboratory Corporation of America, LabCorp); PubMed 31064749 (cited by NIHR Bioresource Rare Diseases, University of Cambridge); PubMed 2987704 (cited by OMIM).

NM_000132.4(F8):c.6977G>A (p.Arg2326Gln)

Gene: F8 (coagulation factor VIII; minus strand). Cytogenetic location: Xq28.
Variant type: single nucleotide variant.
Coding change: c.6977G>A on transcript NM_000132.4 (MANE Select); coding-DNA position 6977, G replaced by A.
Protein change: p.Arg2326Gln; replaces arginine 2326 with glutamine.
Molecular consequence: missense variant.
Genome position (GRCh38, 1-based): chrX:154,837,676, C>T on the plus strand (G>A on the coding strand, the complement: F8 is on the minus strand). VCF-style: chrX-154837676-C-T. GRCh37 (hg19) VCF-style: chrX-154065951-C-T.
Other names: F8, ARG2307GLN; R2307Q; c.572G>A, p.Arg191Gln (NM_019863.3); short protein forms R2326Q, R191Q.
Identifiers: ClinVar variation 10126 (VCV000010126.20), dbSNP rs137852360, ClinGen allele CA255027.